The following is an entry in ClinVar:

ClinVar aggregate classification (germline): Conflicting classifications of pathogenicity. Review status: criteria provided, conflicting classifications (1 of 4 stars). 4 submissions from 4 submitters: Likely pathogenic (1); Uncertain significance (3). Last evaluated 2025-08-14.

Conditions:
Wilson disease (WND). Also called: Wilson's disease. Identifiers: Orphanet 905, MedGen C0019202, MONDO:0010200, OMIM 277900. Disease mechanism: loss of function.

Allele frequency attached by ClinVar (database versions not stated): gnomAD exomes 0.00001.
gnomAD v4.1: 9 of 1,614,172 alleles (0.00056%); highest among the groups gnomAD compares: Non-Finnish European, 0.00076%; no homozygotes.

Submissions (4):

Myriad Genetics, Inc.
Classification: Uncertain significance for Wilson disease. Last evaluated: 2025-08-14. Review status: criteria provided, single submitter. Criteria: Myriad Autosomal Dominant, Autosomal Recessive and X-Linked Classification Criteria (2023). Collection method: clinical testing. Allele origin: unknown.
Comment: NM_000053.3(ATP7B):c.1594T>C(Y532H) is a missense variant classified as a variant of uncertain significance in the context of Wilson disease. Y532H has been observed in a case with relevant disease (PMID: 16088907). Relevant functional assessments of this variant are available in the literature (PMID: 18203200, 17919502). Y532H has not been observed in referenced population frequency databases. In summary, there is insufficient evidence to classify NM_000053.3(ATP7B):c.1594T>C(Y532H) as pathogenic or benign. Please note: this variant was assessed in the context of healthy population screening.

Color Diagnostics, LLC DBA Color Health
Classification: Uncertain significance for Wilson disease. Last evaluated: 2025-06-24. Review status: criteria provided, single submitter. Criteria: ACMG Guidelines, 2015. Collection method: clinical testing. Allele origin: germline.
Comment: This missense variant replaces tyrosine with histidine at codon 532 of the ATP7B protein. Computational prediction suggests that this variant may have deleterious impact on protein structure and function. Functional studies have shown that this variant did not have a significant impact on COMMD1 binding or copper transport in yeast (PMID: 17919502, 18203200). This variant has been reported in individuals affected with Wilson disease (PMID: 16088907). This variant has not been identified in the general population by the Genome Aggregation Database (gnomAD). The available evidence is insufficient to determine the role of this variant in disease conclusively. Therefore, this variant is classified as a Variant of Uncertain Significance.

Labcorp Genetics (formerly Invitae), Labcorp
Classification: Likely pathogenic for Wilson disease. Last evaluated: 2025-03-05. Review status: criteria provided, single submitter. Criteria: Invitae Variant Classification Sherloc (09022015). Collection method: clinical testing. Allele origin: germline.
Comment: This sequence change replaces tyrosine, which is neutral and polar, with histidine, which is basic and polar, at codon 532 of the ATP7B protein (p.Tyr532His). This variant is not present in population databases (gnomAD no frequency). This missense change has been observed in individual(s) with clinical features of Wilson disease (PMID: 16088907). ClinVar contains an entry for this variant (Variation ID: 2137532). Invitae Evidence Modeling of protein sequence and biophysical properties (such as structural, functional, and spatial information, amino acid conservation, physicochemical variation, residue mobility, and thermodynamic stability) has been performed for this missense variant. However, the output from this modeling did not meet the statistical confidence thresholds required to predict the impact of this variant on ATP7B protein function. Experimental studies are conflicting or provide insufficient evidence to determine the effect of this variant on ATP7B function (PMID: 17919502, 18203200). This variant disrupts the p.Tyr532 amino acid residue in ATP7B. Other variant(s) that disrupt this residue have been determined to be pathogenic (PMID: 23518715; internal data). This suggests that this residue is clinically significant, and that variants that disrupt this residue are likely to be disease-causing. In summary, the currently available evidence indicates that the variant is pathogenic, but additional data are needed to prove that conclusively. Therefore, this variant has been classified as Likely Pathogenic.

Women's Health and Genetics/Laboratory Corporation of America, LabCorp
Classification: Uncertain significance. Last evaluated: 2024-08-14. Review status: criteria provided, single submitter. Criteria: LabCorp Variant Classification Summary - May 2015. Collection method: clinical testing. Allele origin: germline.
Comment: Variant summary: ATP7B c.1594T>C (p.Tyr532His) results in a conservative amino acid change located in the fifth heavy metal-associated domain (HMA5) (IPR006121) of the encoded protein sequence. Four of five in-silico tools predict a damaging effect of the variant on protein function. The variant was absent in 249430 control chromosomes (gnomAD). The available data on variant occurrences in the general population are insufficient to allow any conclusion about variant significance. c.1594T>C has been reported in the literature in an individual affected with Wilson Disease (Cox_2005). These data do not allow any conclusion about variant significance. Publications reported experimental evidence evaluating an impact on protein function, and demonstrated no effect on copper transport activity in yeast based assay, and no effect on interaction with COMMD1 (e.g. Hsi_2008, de Bie_2007), however these results do not allow convincing conclusions about the in vivo effect of the variant. Other missense changes affecting the same amino acid residue (Y532D/C) have been reported in affected individuals (HGMD, ClinVar), suggesting a functional importance for this residue. The following publications have been ascertained in the context of this evaluation (PMID: 16088907, 17919502, 18203200). ClinVar contains an entry for this variant (Variation ID: 2137532). Based on the evidence outlined above, the variant was classified as uncertain significance.

Literature cited by the submitters: PubMed 16088907 (cited by 4 submitters); PubMed 17919502 (cited by 4 submitters); PubMed 18203200 (cited by 4 submitters); PubMed 23518715 (cited by Labcorp Genetics (formerly Invitae), Labcorp).

NM_000053.4(ATP7B):c.1594T>C (p.Tyr532His)

Gene: ATP7B (ATPase copper transporting beta; minus strand). Cytogenetic location: 13q14.3.
Variant type: single nucleotide variant.
Coding change: c.1594T>C on transcript NM_000053.4 (MANE Select); coding-DNA position 1594, T replaced by C.
Protein change: p.Tyr532His; replaces tyrosine 532 with histidine.
Molecular consequence: missense variant.
Genome position (GRCh38, 1-based): chr13:51,968,557, A>G on the plus strand (T>C on the coding strand, the complement: ATP7B is on the minus strand). VCF-style: chr13-51968557-A-G. GRCh37 (hg19) VCF-style: chr13-52542693-A-G.
Other names: c.1594T>C, p.Tyr532His (NM_001406526.1, NM_001406527.1, NM_001406528.1 and 26 more transcripts); c.1498T>C, p.Tyr500His (NM_001406530.1, NM_001406517.1, NM_001406518.1 and 3 more transcripts); c.1261T>C, p.Tyr421His (NM_001243182.2); c.1561T>C, p.Tyr521His (NM_001406514.1, NM_001406524.1); c.1165T>C, p.Tyr389His (NM_001406539.1); short protein forms Y389H, Y421H, Y532H, Y500H, Y521H.
Identifiers: ClinVar variation 2137532 (VCV002137532.6), dbSNP rs2547779039, ClinGen allele CA388033175.
Genomic context (GRCh38, chr13:51,968,557, plus strand): 5'-CAAAACCCAGGTCCTGGATGAACTGAGCTATCTCGAGGGGCTGGATGACCTCTGGGTCAT[A>G]CTTGATCTCTGCCTTTCCTGCCATCAAGGCAACCAACACGGAGAGAACACCTGGAACCAT-3'
Protein context (NP_000044.2, residues 522-542): ALMAGKAEIK[Tyr532His]DPEVIQPLEI